The following is an entry in ClinVar:

ClinVar aggregate classification (germline): Uncertain significance (1 of 4 stars; one submission).

Allele frequency attached by ClinVar (database versions not stated): TOPMed 0.00001; gnomAD 0.00001.
gnomAD v4.1: 1 of 1,613,860 alleles (0.000062%); highest among the groups gnomAD compares: Admixed American, 0.0017%; no homozygotes.

Submission:

Labcorp Genetics (formerly Invitae), Labcorp
Classification: Uncertain significance. Last evaluated: 2024-01-10. Review status: criteria provided, single submitter. Criteria: Invitae Variant Classification Sherloc (09022015). Collection method: clinical testing. Allele origin: germline.
Comment: This sequence change replaces leucine, which is neutral and non-polar, with proline, which is neutral and non-polar, at codon 845 of the ITGAM protein (p.Leu845Pro). This variant is not present in population databases (gnomAD no frequency). This variant has not been reported in the literature in individuals affected with ITGAM-related conditions. ClinVar contains an entry for this variant (Variation ID: 2073984). An algorithm developed to predict the effect of missense changes on protein structure and function (PolyPhen-2) suggests that this variant is likely to be disruptive. In summary, the available evidence is currently insufficient to determine the role of this variant in disease. Therefore, it has been classified as a Variant of Uncertain Significance.

NM_000632.4(ITGAM):c.2534T>C (p.Leu845Pro)

Gene: ITGAM (integrin subunit alpha M; plus strand). Cytogenetic location: 16p11.2.
Variant type: single nucleotide variant.
Coding change: c.2534T>C on transcript NM_000632.4 (MANE Select); coding-DNA position 2534, T replaced by C.
Protein change: p.Leu845Pro; replaces leucine 845 with proline.
Molecular consequence: missense variant.
Genome position (GRCh38, 1-based): chr16:31,325,528, T>C. VCF-style: chr16-31325528-T-C. GRCh37 (hg19) VCF-style: chr16-31336849-T-C.
Other names: c.2537T>C, p.Leu846Pro (NM_001145808.2); short protein forms L846P, L845P.
Identifiers: ClinVar variation 2073984 (VCV002073984.4), dbSNP rs2080499826, ClinGen allele CA395692063.